The following is an entry in ClinVar:

ClinVar aggregate classification (germline): Uncertain significance (1 of 4 stars; one submission).

Conditions:
Hereditary spastic paraplegia 30. Identifiers: Orphanet 101010, MedGen C5235139, MONDO:0012476.
Neuropathy, hereditary sensory, type 2C. Also called: Hereditary sensory and autonomic neuropathy type IIC; KIF1A-Related HSAN2 (HSAN2C). Identifiers: Orphanet 970, MedGen C3280168, MONDO:0013634, OMIM 614213.
Intellectual disability, autosomal dominant 9 (NESCAVS). Also called: NESCAV SYNDROME; KIF1A-Related Neurodevelopmental Disorder. Identifiers: Orphanet 662367, MedGen C5393830, MONDO:0013656, OMIM 614255.

Allele frequency attached by ClinVar (database versions not stated): gnomAD exomes below 0.00001.
gnomAD v4.1: 2 of 1,593,634 alleles (0.00013%); highest among the groups gnomAD compares: East Asian, 0.0023%; no homozygotes.

Submission:

Labcorp Genetics (formerly Invitae), Labcorp
Classification: Uncertain significance for Hereditary spastic paraplegia 30; Neuropathy, hereditary sensory, type 2C; Intellectual disability, autosomal dominant 9. Last evaluated: 2023-08-10. Review status: criteria provided, single submitter. Criteria: Invitae Variant Classification Sherloc (09022015). Collection method: clinical testing. Allele origin: germline.
Comment: ClinVar contains an entry for this variant (Variation ID: 1513702). In summary, the available evidence is currently insufficient to determine the role of this variant in disease. Therefore, it has been classified as a Variant of Uncertain Significance. Advanced modeling of protein sequence and biophysical properties (such as structural, functional, and spatial information, amino acid conservation, physicochemical variation, residue mobility, and thermodynamic stability) has been performed at Invitae for this missense variant, however the output from this modeling did not meet the statistical confidence thresholds required to predict the impact of this variant on KIF1A protein function. This variant has not been reported in the literature in individuals affected with KIF1A-related conditions. This variant is not present in population databases (gnomAD no frequency). This sequence change replaces serine, which is neutral and polar, with glycine, which is neutral and non-polar, at codon 669 of the KIF1A protein (p.Ser669Gly).

NM_001244008.2(KIF1A):c.2032A>G (p.Ser678Gly)

Gene: KIF1A (kinesin family member 1A; minus strand). Cytogenetic location: 2q37.3.
Variant type: single nucleotide variant.
Coding change: c.2032A>G on transcript NM_001244008.2 (MANE Select); coding-DNA position 2032, A replaced by G.
Protein change: p.Ser678Gly; replaces serine 678 with glycine.
Molecular consequence: missense variant.
Genome position (GRCh38, 1-based): chr2:240,762,803, T>C on the plus strand (A>G on the coding strand, the complement: KIF1A is on the minus strand). VCF-style: chr2-240762803-T-C. GRCh37 (hg19) VCF-style: chr2-241702220-T-C.
Other names: c.2032A>G, p.Ser678Gly (NM_001320705.2, NM_001330289.2, NM_001379638.1); c.2107A>G, p.Ser703Gly (NM_001330290.2, NM_001379631.1, NM_001379634.1 and 2 more transcripts); c.2005A>G, p.Ser669Gly (NM_001379632.1, NM_001379633.1, NM_001379636.1 and 10 more transcripts); c.2080A>G, p.Ser694Gly (NM_001379637.1, NM_001379648.1); short protein forms S669G, S694G, S678G, S703G.
Identifiers: ClinVar variation 1513702 (VCV001513702.6), dbSNP rs2125902938, ClinGen allele CA351326439.